The following is an entry in ClinVar:

ClinVar aggregate classification (germline): Uncertain significance (1 of 4 stars; one submission).

Conditions:
Hereditary nonpolyposis colorectal neoplasms. Identifiers: MedGen C0009405, MeSH D003123.

Submission:

Labcorp Genetics (formerly Invitae), Labcorp
Classification: Uncertain significance for Hereditary nonpolyposis colon cancer. Last evaluated: 2019-07-02. Review status: criteria provided, single submitter. Criteria: Invitae Variant Classification Sherloc (09022015). Collection method: clinical testing. Allele origin: germline.
Comment: This variant is a gross duplication of the genomic region encompassing exon 1 of the EPCAM gene. The 5' end of this event is unknown as it extends beyond the assayed region for this gene and therefore may encompass additional genes. The 3' boundary is likely confined to intron 1 of the EPCAM gene. The exact location of this variant in the genome is unknown. This duplication has not been reported in the literature in individuals with EPCAM-related disease. Experimental studies and prediction algorithms are not available for this variant, and the functional significance of this duplication is currently unknown. In summary, the exact genomic location of this variant is unknown and the impact of this duplication on EPCAM protein function has not been established. Therefore, it has been classified as a Variant of Uncertain Significance.

NC_000002.11:g.(?_47596635)_(47596730_?)dup

Gene: EPCAM (epithelial cell adhesion molecule; plus strand). Cytogenetic location: 2p21.
Variant type: Duplication.
Identifiers: ClinVar variation 642060 (VCV000642060.2).